The following is an entry in ClinVar:

NM_004836.7(EIF2AK3):c.1423C>A (p.Pro475Thr)

Gene: EIF2AK3 (eukaryotic translation initiation factor 2 alpha kinase 3; minus strand). Cytogenetic location: 2p11.2.
Variant type: single nucleotide variant.
Coding change: c.1423C>A on transcript NM_004836.7 (MANE Select); coding-DNA position 1423, C replaced by A.
Protein change: p.Pro475Thr; replaces proline 475 with threonine.
Molecular consequence: missense variant.
Genome position (GRCh38, 1-based): chr2:88,587,988, G>T on the plus strand (C>A on the coding strand, the complement: EIF2AK3 is on the minus strand). VCF-style: chr2-88587988-G-T. GRCh37 (hg19) VCF-style: chr2-88887506-G-T.
Other names: c.970C>A, p.Pro324Thr (NM_001313915.2); short protein forms P324T, P475T.
Identifiers: ClinVar variation 1525769 (VCV001525769.6), dbSNP rs966305598, ClinGen allele CA51494737.

ClinVar aggregate classification (germline): Uncertain significance (1 of 4 stars; one submission).

gnomAD v4.1: 1 of 1,570,068 alleles (0.000064%); no homozygotes.

Submission:

Labcorp Genetics (formerly Invitae), Labcorp
Classification: Uncertain significance. Last evaluated: 2021-11-03. Review status: criteria provided, single submitter. Criteria: Invitae Variant Classification Sherloc (09022015). Collection method: clinical testing. Allele origin: germline.
Comment: This sequence change replaces proline, which is neutral and non-polar, with threonine, which is neutral and polar, at codon 475 of the EIF2AK3 protein (p.Pro475Thr). This variant is not present in population databases (gnomAD no frequency). In summary, the available evidence is currently insufficient to determine the role of this variant in disease. Therefore, it has been classified as a Variant of Uncertain Significance. Algorithms developed to predict the effect of missense changes on protein structure and function are either unavailable or do not agree on the potential impact of this missense change (SIFT: "Deleterious"; PolyPhen-2: "Possibly Damaging"; Align-GVGD: "Class C0"). This variant has not been reported in the literature in individuals affected with EIF2AK3-related conditions.